The following is an entry in ClinVar:

NM_000540.3(RYR1):c.5155C>A (p.Leu1719Ile)

Gene: RYR1 (ryanodine receptor 1; plus strand). Cytogenetic location: 19q13.2.
Variant type: single nucleotide variant.
Coding change: c.5155C>A on transcript NM_000540.3 (MANE Select); coding-DNA position 5155, C replaced by A.
Protein change: p.Leu1719Ile; replaces leucine 1719 with isoleucine.
Molecular consequence: missense variant.
Genome position (GRCh38, 1-based): chr19:38,485,810, C>A. VCF-style: chr19-38485810-C-A. GRCh37 (hg19) VCF-style: chr19-38976450-C-A.
Other names: c.5155C>A, p.Leu1719Ile (NM_001042723.2); c.5155C>A (NM_000540.2); short protein forms L1719I.
Identifiers: ClinVar variation 1391802 (VCV001391802.9), dbSNP rs771648635, ClinGen allele CA066705.

ClinVar aggregate classification (germline): Uncertain significance. Review status: criteria provided, multiple submitters, no conflicts (2 of 4 stars). 4 submissions from 4 submitters: Uncertain significance (4). Last evaluated 2024-08-11.

Conditions:
RYR1-related disorder. Also called: RYR1-related disorders; RYR1-related condition. Identifiers: MedGen CN239331.
Malignant hyperthermia, susceptibility to, 1 (MHS1). Also called: RYR1-Related Malignant Hyperthermia Susceptibility; Malignant hyperthermia suceptibility 1; Anesthesia related hyperthermia; Malignant hyperpyrexia; Fulminating hyperpyrexia; Pharmacogenic myopathy. Identifiers: Orphanet 423, MedGen C2930980, MONDO:0007783, OMIM 145600.

Allele frequency attached by ClinVar (database versions not stated): gnomAD 0.00001; gnomAD exomes 0.00001; ExAC 0.00002.
gnomAD v4.1: 9 of 1,613,292 alleles (0.00056%); highest among the groups gnomAD compares: South Asian, 0.0044%; no homozygotes.

Submissions (4):

Revvity Omics, Revvity
Classification: Uncertain significance. Last evaluated: 2024-08-11. Review status: criteria provided, single submitter. Criteria: ACMG Guidelines, 2015. Collection method: clinical testing. Allele origin: germline.

Color Diagnostics, LLC DBA Color Health
Classification: Uncertain significance for Malignant hyperthermia, susceptibility to, 1. Last evaluated: 2024-07-10. Review status: criteria provided, single submitter. Criteria: ACMG Guidelines, 2015. Collection method: clinical testing. Allele origin: germline.
Comment: This missense variant replaces leucine with isoleucine at codon 1719 of the RYR1 protein. Computational prediction suggests that this variant may not impact protein structure and function. To our knowledge, functional studies have not been reported for this variant. This variant has not been reported in individuals affected with RYR1-related disorders in the literature. This variant has been identified in 3/245290 chromosomes in the general population by the Genome Aggregation Database (gnomAD). The available evidence is insufficient to determine the role of this variant in disease conclusively. Therefore, this variant is classified as a Variant of Uncertain Significance.

All of Us Research Program, National Institutes of Health
Classification: Uncertain significance for Malignant hyperthermia, susceptibility to, 1. Last evaluated: 2023-03-28. Review status: criteria provided, single submitter. Criteria: ACMG Guidelines, 2015. Collection method: clinical testing. Allele origin: germline. Inheritance: Autosomal dominant inheritance. Observed: 1 variant allele, 1 heterozygote.
Comment: This study involves interpretation of variants in research participants for the purpose of population health screening. Participant phenotype was not available at the time of variant classification. Additional details can be found in publication PMID: 35346344, PMCID: PMC8962531

Labcorp Genetics (formerly Invitae), Labcorp
Classification: Uncertain significance for RYR1-related disorder. Last evaluated: 2021-08-30. Review status: criteria provided, single submitter. Criteria: Invitae Variant Classification Sherloc (09022015). Collection method: clinical testing. Allele origin: germline.
Comment: This sequence change replaces leucine with isoleucine at codon 1719 of the RYR1 protein (p.Leu1719Ile). The leucine residue is highly conserved and there is a small physicochemical difference between leucine and isoleucine. This variant is present in population databases (rs771648635, ExAC 0.006%). This variant has not been reported in the literature in individuals affected with RYR1-related conditions. Advanced modeling of protein sequence and biophysical properties (such as structural, functional, and spatial information, amino acid conservation, physicochemical variation, residue mobility, and thermodynamic stability) performed at Invitae indicates that this missense variant is not expected to disrupt RYR1 protein function. In summary, the available evidence is currently insufficient to determine the role of this variant in disease. Therefore, it has been classified as a Variant of Uncertain Significance.